The following is an entry in ClinVar:

NM_000719.7(CACNA1C):c.152C>T (p.Ser51Leu)

Gene: CACNA1C (calcium voltage-gated channel subunit alpha1 C; plus strand). Cytogenetic location: 12p13.33.
Variant type: single nucleotide variant.
Coding change: c.152C>T on transcript NM_000719.7 (MANE Select); coding-DNA position 152, C replaced by T.
Protein change: p.Ser51Leu; replaces serine 51 with leucine.
Molecular consequence: missense variant.
Genome position (GRCh38, 1-based): chr12:2,115,326, C>T. VCF-style: chr12-2115326-C-T. GRCh37 (hg19) VCF-style: chr12-2224492-C-T.
Other names: c.152C>T, p.Ser51Leu (NM_001129827.2, NM_001129829.2, NM_001129830.3 and 19 more transcripts); short protein forms S51L.
Identifiers: ClinVar variation 2159836 (VCV002159836.2), dbSNP rs1352341266, ClinGen allele CA383653037.

ClinVar aggregate classification (germline): Uncertain significance (1 of 4 stars; one submission).

Conditions:
Long QT syndrome (LQTS). Identifiers: MedGen C0023976, MeSH D008133, MONDO:0002442. Disease mechanism: loss of function. Inheritance: Various modes of inheritance.

Allele frequency attached by ClinVar (database versions not stated): gnomAD exomes below 0.00001.
gnomAD v4.1: 1 of 1,587,474 alleles (0.000063%); highest among the groups gnomAD compares: Non-Finnish European, 0.000085%; no homozygotes.

Submission:

Labcorp Genetics (formerly Invitae), Labcorp
Classification: Uncertain significance for Long QT syndrome. Last evaluated: 2022-01-23. Review status: criteria provided, single submitter. Criteria: Invitae Variant Classification Sherloc (09022015). Collection method: clinical testing. Allele origin: germline.
Comment: In summary, the available evidence is currently insufficient to determine the role of this variant in disease. Therefore, it has been classified as a Variant of Uncertain Significance. Algorithms developed to predict the effect of missense changes on protein structure and function are either unavailable or do not agree on the potential impact of this missense change (SIFT: "Tolerated"; PolyPhen-2: "Probably Damaging"; Align-GVGD: "Class C0"). This variant has not been reported in the literature in individuals affected with CACNA1C-related conditions. This variant is present in population databases (no rsID available, gnomAD 0.007%). This sequence change replaces serine, which is neutral and polar, with leucine, which is neutral and non-polar, at codon 51 of the CACNA1C protein (p.Ser51Leu).